The following is an entry in ClinVar:

NM_199242.3(UNC13D):c.520C>T (p.Gln174Ter)

Gene: UNC13D (unc-13 homolog D; minus strand). Cytogenetic location: 17q25.1.
Variant type: single nucleotide variant.
Coding change: c.520C>T on transcript NM_199242.3 (MANE Select); coding-DNA position 520, C replaced by T.
Protein change: p.Gln174Ter; replaces glutamine 174 with a stop codon.
Molecular consequence: nonsense.
Genome position (GRCh38, 1-based): chr17:75,842,482, G>A on the plus strand (C>T on the coding strand, the complement: UNC13D is on the minus strand). VCF-style: chr17-75842482-G-A. GRCh37 (hg19) VCF-style: chr17-73838563-G-A.
Other names: short protein forms Q174*.
Identifiers: ClinVar variation 664792 (VCV000664792.9), dbSNP rs1157287613, ClinGen allele CA401113941.
Genomic context (GRCh38, chr17:75,842,482, plus strand): 5'-CGGCCACGTACAGGATGAAGGTCTCGTCCCAGACGGGGTTGAGTGTCTGGGTGATGACCT[G>A]CGTGCGGTGGGTCTCCTCCTCGGGGATGGTGTGCCTCACCACAGCCTTCTGCCGATGCCG-3'

ClinVar aggregate classification (germline): Pathogenic/Likely pathogenic. Review status: criteria provided, multiple submitters, no conflicts (2 of 4 stars). 2 submissions from 2 submitters: Pathogenic (1); Likely pathogenic (1). Last evaluated 2025-07-14.

Conditions:
Familial hemophagocytic lymphohistiocytosis (FHL). Also called: Hereditary hemophagocytic lymphohistiocytosis; Familial erythrophagocytic lymphohistiocytosis; Familial histiocytic reticulosis. Identifiers: Orphanet 158038, Orphanet 540, MedGen C0272199, MONDO:0015541.
Familial hemophagocytic lymphohistiocytosis 3 (FHL3). Also called: UNC13D-Related Familial Hemophagocytic Lymphohistiocytosis (UNC13D-fHLH). Identifiers: Orphanet 540, MedGen C1837174, MONDO:0012146, OMIM 608898.

Allele frequency attached by ClinVar (database versions not stated): gnomAD exomes 0.00001.
gnomAD v4.1: 4 of 1,613,474 alleles (0.00025%); highest among the groups gnomAD compares: Middle Eastern, 0.049%; no homozygotes.

Submissions (2):

Labcorp Genetics (formerly Invitae), Labcorp
Classification: Pathogenic for Familial hemophagocytic lymphohistiocytosis 3. Last evaluated: 2025-07-14. Review status: criteria provided, single submitter. Criteria: Invitae Variant Classification Sherloc (09022015). Collection method: clinical testing. Allele origin: germline.
Comment: This sequence change creates a premature translational stop signal (p.Gln174*) in the UNC13D gene. It is expected to result in an absent or disrupted protein product. Loss-of-function variants in UNC13D are known to be pathogenic (PMID: 14622600). This variant is present in population databases (no rsID available, gnomAD 0.0009%). This variant has not been reported in the literature in individuals affected with UNC13D-related conditions. ClinVar contains an entry for this variant (Variation ID: 664792). Algorithms developed to predict the effect of sequence changes on RNA splicing suggest that this variant may create or strengthen a splice site. For these reasons, this variant has been classified as Pathogenic.

Women's Health and Genetics/Laboratory Corporation of America, LabCorp
Classification: Likely pathogenic for Familial hemophagocytic lymphohistiocytosis. Last evaluated: 2022-09-28. Review status: criteria provided, single submitter. Criteria: LabCorp Variant Classification Summary - May 2015. Collection method: clinical testing. Allele origin: germline.
Comment: Variant summary: UNC13D c.520C>T (p.Gln174X) results in a premature termination codon, predicted to cause a truncation of the encoded protein or absence of the protein due to nonsense mediated decay, which are commonly known mechanisms for disease. Truncations downstream of this position have been classified as pathogenic within ClinVar (e.g. c.551G>A [p.Trp184Ter]; c.766C>T [p.Arg256Ter]). The variant allele was found at a frequency of 8e-06 in 250200 control chromosomes (gnomAD). To our knowledge, no occurrence of c.520C>T in individuals affected with Familial Hemophagocytic Lymphohistiocytosis and no experimental evidence demonstrating its impact on protein function have been reported. One ClinVar submitter has assessed the variant since 2014: the variant was classified as pathogenic. Based on the evidence outlined above, the variant was classified as likely pathogenic.

Literature cited by the submitters: PubMed 14622600 (cited by Labcorp Genetics (formerly Invitae), Labcorp).